The following is an entry in ClinVar:

ClinVar aggregate classification (germline): Likely pathogenic (1 of 4 stars; one submission).

Conditions:
Irido-corneo-trabecular dysgenesis (ASGD5). Also called: ANTERIOR SEGMENT DYSGENESIS 5. Identifiers: Orphanet 708, MedGen C0344559, MONDO:0011414, OMIM 604229, HP:0000659.

Submission:

Genetics Department, University Hospital of Toulouse
Classification: Likely pathogenic for Irido-corneo-trabecular dysgenesis. Last evaluated: 2022-10-15. Review status: criteria provided, single submitter. Criteria: ACMG Guidelines, 2015. Collection method: clinical testing. Allele origin: germline. Affected: yes.
Comment: LP (PS2, PM2, PP3)

NM_001202.6(BMP4):c.1118G>A (p.Cys373Tyr)

Gene: BMP4 (bone morphogenetic protein 4; minus strand). Cytogenetic location: 14q22.2.
Variant type: single nucleotide variant.
Coding change: c.1118G>A on transcript NM_001202.6 (MANE Select); coding-DNA position 1118, G replaced by A.
Protein change: p.Cys373Tyr; replaces cysteine 373 with tyrosine.
Molecular consequence: missense variant.
Genome position (GRCh38, 1-based): chr14:53,950,141, C>T on the plus strand (G>A on the coding strand, the complement: BMP4 is on the minus strand). VCF-style: chr14-53950141-C-T. GRCh37 (hg19) VCF-style: chr14-54416859-C-T.
Other names: c.1259G>A, p.Cys420Tyr (NM_001347912.1); c.929G>A, p.Cys310Tyr (NM_001347913.2, NM_001347915.2, NM_001347917.1); c.1118G>A, p.Cys373Tyr (NM_001347914.2, NM_001347916.1, NM_130850.5 and 1 more transcripts); short protein forms C310Y, C373Y, C420Y.
Identifiers: ClinVar variation 1710338 (VCV001710338.1), dbSNP rs2502576504, ClinGen allele CA389783242.